The following is an entry in ClinVar:

ClinVar aggregate classification (germline): Likely benign (0 of 4 stars; one submission).

Conditions:
SEMA3G-related disorder. Also called: SEMA3G-related condition.

gnomAD v4.1: 2 of 1,612,654 alleles (0.00012%); highest among the groups gnomAD compares: African/African-American, 0.0013%; no homozygotes.

Submission:

PreventionGenetics, part of Exact Sciences
Classification: Likely benign for SEMA3G-related condition. Last evaluated: 2022-08-10. Review status: no assertion criteria provided. Collection method: clinical testing. Allele origin: germline.
Comment: This variant is classified as likely benign based on ACMG/AMP sequence variant interpretation guidelines (Richards et al. 2015 PMID: 25741868, with internal and published modifications).

NM_020163.3(SEMA3G):c.1917G>A (p.Gly639=)

Gene: SEMA3G (semaphorin 3G; minus strand). Cytogenetic location: 3p21.1.
Variant type: single nucleotide variant.
Coding change: c.1917G>A on transcript NM_020163.3 (MANE Select); coding-DNA position 1917, G replaced by A.
Protein change: p.Gly639=; no amino-acid change (glycine 639 retained).
Molecular consequence: synonymous variant.
Genome position (GRCh38, 1-based): chr3:52,436,035, C>T on the plus strand (G>A on the coding strand, the complement: SEMA3G is on the minus strand). VCF-style: chr3-52436035-C-T. GRCh37 (hg19) VCF-style: chr3-52470051-C-T.
Identifiers: ClinVar variation 3353305 (VCV003353305.1).